The following is an entry in ClinVar:

NM_001005242.3(PKP2):c.1874G>C (p.Ser625Thr)

Gene: PKP2 (plakophilin 2; minus strand). Cytogenetic location: 12p11.21.
Variant type: single nucleotide variant.
Coding change: c.1874G>C on transcript NM_001005242.3 (MANE Select); coding-DNA position 1874, G replaced by C.
Protein change: p.Ser625Thr; replaces serine 625 with threonine.
Molecular consequence: missense variant.
Genome position (GRCh38, 1-based): chr12:32,821,495, C>G on the plus strand (G>C on the coding strand, the complement: PKP2 is on the minus strand). VCF-style: chr12-32821495-C-G. GRCh37 (hg19) VCF-style: chr12-32974429-C-G.
Other names: c.2006G>C, p.Ser669Thr (NM_004572.4); short protein forms S669T, S625T.
Identifiers: ClinVar variation 949262 (VCV000949262.17), dbSNP rs779926314, ClinGen allele CA384362252.

ClinVar aggregate classification (germline): Uncertain significance. Review status: criteria provided, multiple submitters, no conflicts (2 of 4 stars). 5 submissions from 5 submitters: Uncertain significance (5). Last evaluated 2026-05-17.

Conditions:
PKP2-related disorder. Also called: PKP2-related condition.
Cardiovascular phenotype. Identifiers: MedGen CN230736.
Arrhythmogenic right ventricular dysplasia 9 (ARVD9). Also called: Arrhythmogenic Right Ventricular Dysplasia/Cardiomyopathy 9; ARRHYTHMOGENIC RIGHT VENTRICULAR DYSPLASIA, FAMILIAL, 9. Identifiers: MedGen C1836906, MONDO:0012180, OMIM 609040.
Cardiomyopathy (CMYO). Also called: Cardiomyopathies. Identifiers: Orphanet 167848, MedGen C0878544, MONDO:0004994, HP:0001638. Inheritance: Various modes of inheritance.

Allele frequency attached by ClinVar (database versions not stated): gnomAD 0.00003 and 0.00004; TOPMed 0.00012.
gnomAD v4.1: 10 of 1,613,924 alleles (0.00062%); highest among the groups gnomAD compares: Admixed American, 0.017%; no homozygotes.

Submissions (5):

PreventionGenetics, part of Exact Sciences
Classification: Uncertain significance for PKP2-related condition. Last evaluated: 2026-05-17. Review status: criteria provided, single submitter. Criteria: ACMG Guidelines, 2015. Collection method: clinical testing. Allele origin: germline.
Comment: The PKP2 c.2006G>C variant is predicted to result in the amino acid substitution p.Ser669Thr. To our knowledge, this variant has not been reported in the literature. This variant is reported in 0.0058% of alleles in individuals of Latino descent in gnomAD. At this time, the clinical significance of this variant is uncertain due to the absence of conclusive functional and genetic evidence.

Labcorp Genetics (formerly Invitae), Labcorp
Classification: Uncertain significance for Arrhythmogenic right ventricular dysplasia 9. Last evaluated: 2025-12-17. Review status: criteria provided, single submitter. Criteria: Invitae Variant Classification Sherloc (09022015). Collection method: clinical testing. Allele origin: germline.
Comment: This sequence change replaces serine, which is neutral and polar, with threonine, which is neutral and polar, at codon 669 of the PKP2 protein (p.Ser669Thr). This variant is present in population databases (no rsID available, gnomAD 0.006%). This variant has not been reported in the literature in individuals affected with PKP2-related conditions. ClinVar contains an entry for this variant (Variation ID: 949262). An algorithm developed to predict the effect of missense changes on protein structure and function (PolyPhen-2) suggests that this variant is likely to be disruptive. In summary, the available evidence is currently insufficient to determine the role of this variant in disease. Therefore, it has been classified as a Variant of Uncertain Significance.

Ambry Genetics
Classification: Uncertain significance for Cardiovascular phenotype. Last evaluated: 2025-12-02. Review status: criteria provided, single submitter. Criteria: Ambry Variant Classification Scheme 2023. Collection method: clinical testing. Allele origin: germline.
Comment: The p.S669T variant (also known as c.2006G>C), located in coding exon 10 of the PKP2 gene, results from a G to C substitution at nucleotide position 2006. The serine at codon 669 is replaced by threonine, an amino acid with similar properties. This amino acid position is conserved. In addition, this alteration is predicted to be tolerated by in silico analysis. Since supporting evidence is limited at this time, the clinical significance of this alteration remains unclear.

Color Diagnostics, LLC DBA Color Health
Classification: Uncertain significance for Cardiomyopathy. Last evaluated: 2024-04-23. Review status: criteria provided, single submitter. Criteria: ACMG Guidelines, 2015. Collection method: clinical testing. Allele origin: germline.
Comment: This missense variant replaces serine with threonine at codon 669 of the PKP2 protein. Computational prediction suggests that this variant may not impact protein structure and function (internally defined REVEL score threshold <= 0.5, PMID: 27666373). To our knowledge, functional studies have not been reported for this variant. This variant has not been reported in individuals affected with PKP2-related disorders in the literature. This variant has been identified in 3/251348 chromosomes in the general population by the Genome Aggregation Database (gnomAD). The available evidence is insufficient to determine the role of this variant in disease conclusively. Therefore, this variant is classified as a Variant of Uncertain Significance.

GeneDx
Classification: Uncertain significance. Last evaluated: 2022-07-05. Review status: criteria provided, single submitter. Criteria: GeneDx Variant Classification Process June 2021. Collection method: clinical testing. Allele origin: germline. Affected: yes.
Comment: Not observed at significant frequency in large population cohorts (gnomAD); In silico analysis supports that this variant does not alter protein structure/function; Has not been previously published as pathogenic or benign to our knowledge